The following is an entry in ClinVar:

NM_001374736.1(DST):c.21128G>A (p.Arg7043Lys)

Gene: DST (dystonin; minus strand). Cytogenetic location: 6p12.1.
Variant type: single nucleotide variant.
Coding change: c.21128G>A on transcript NM_001374736.1 (MANE Select); coding-DNA position 21128, G replaced by A.
Protein change: p.Arg7043Lys; replaces arginine 7043 with lysine.
Molecular consequence: missense variant.
Genome position (GRCh38, 1-based): chr6:56,485,391, C>T on the plus strand (G>A on the coding strand, the complement: DST is on the minus strand). VCF-style: chr6-56485391-C-T. GRCh37 (hg19) VCF-style: chr6-56350189-C-T.
Other names: c.14771G>A, p.Arg4924Lys (NM_001144769.5); c.14357G>A, p.Arg4786Lys (NM_001144770.2); c.21128G>A, p.Arg7043Lys (NM_001374722.1); c.20168G>A, p.Arg6723Lys (NM_001374729.1); c.13910G>A, p.Arg4637Lys (NM_001374730.1); c.21155G>A, p.Arg7052Lys (NM_001374734.1); c.14237G>A, p.Arg4746Lys (NM_001386100.1, NM_183380.4); c.13259G>A, p.Arg4420Lys (NM_015548.5); short protein forms R4420K, R4637K, R4746K, R4786K, R4924K, R6723K, R7043K, R7052K.
Identifiers: ClinVar variation 4085401 (VCV004085401.8).
Genomic context (GRCh38, chr6:56,485,391, plus strand): 5'-TTCATCACCAAATCAATGTCTCCATGAACAGGCTGGTCTTCTGCCAGCTGGGGTTCAACT[C>T]TATATAACCAATCAATGAGAGCCTGTAGGGCATCTGTGAATTGTCCAGAAAATAACAGGG-3'
Protein context (NP_001361665.1, residues 7033-7053): ALQALIDWLY[Arg7043Lys]VEPQLAEDQP

ClinVar aggregate classification (germline): Uncertain significance (1 of 4 stars; one submission).

Submission:

CeGaT Center for Human Genetics Tuebingen
Classification: Uncertain significance. Last evaluated: 2025-07-01. Review status: criteria provided, single submitter. Criteria: CeGaT Center For Human Genetics Tuebingen Variant Classification Criteria Version 2. Collection method: clinical testing. Allele origin: germline. Affected: yes. Observed: 1 variant allele.
Comment: DST: PM2, BP4